The following is an entry in ClinVar:

NM_177438.3(DICER1):c.2602A>C (p.Lys868Gln)

Gene: DICER1 (dicer 1, ribonuclease III; minus strand). Cytogenetic location: 14q32.13.
Variant type: single nucleotide variant.
Coding change: c.2602A>C on transcript NM_177438.3 (MANE Select); coding-DNA position 2602, A replaced by C.
Protein change: p.Lys868Gln; replaces lysine 868 with glutamine.
Molecular consequence: missense variant.
Genome position (GRCh38, 1-based): chr14:95,107,928, T>G on the plus strand (A>C on the coding strand, the complement: DICER1 is on the minus strand). VCF-style: chr14-95107928-T-G. GRCh37 (hg19) VCF-style: chr14-95574265-T-G.
Other names: c.2602A>C, p.Lys868Gln (NM_001195573.1, NM_001271282.3, NM_001291628.2 and 1 more transcripts); short protein forms K868Q.
Identifiers: ClinVar variation 642568 (VCV000642568.10), dbSNP rs1566776650, ClinGen allele CA390881431.

ClinVar aggregate classification (germline): Uncertain significance (1 of 4 stars; one submission).

Conditions:
DICER1-related tumor predisposition. Also called: DICER1 syndrome; DICER1-related pleuropulmonary blastoma cancer predisposition syndrome. Identifiers: Orphanet 284343, MedGen C3839822, MONDO:0100216.

Submission:

Labcorp Genetics (formerly Invitae), Labcorp
Classification: Uncertain significance for DICER1-related tumor predisposition. Last evaluated: 2023-01-05. Review status: criteria provided, single submitter. Criteria: Invitae Variant Classification Sherloc (09022015). Collection method: clinical testing. Allele origin: germline.
Comment: In summary, the available evidence is currently insufficient to determine the role of this variant in disease. Therefore, it has been classified as a Variant of Uncertain Significance. This sequence change replaces lysine, which is basic and polar, with glutamine, which is neutral and polar, at codon 868 of the DICER1 protein (p.Lys868Gln). This variant is not present in population databases (gnomAD no frequency). This variant has not been reported in the literature in individuals affected with DICER1-related conditions. ClinVar contains an entry for this variant (Variation ID: 642568). Advanced modeling of protein sequence and biophysical properties (such as structural, functional, and spatial information, amino acid conservation, physicochemical variation, residue mobility, and thermodynamic stability) performed at Invitae indicates that this missense variant is not expected to disrupt DICER1 protein function.